The following is an entry in ClinVar:

NM_001164665.2(KIAA1549):c.2566C>G (p.Pro856Ala)

Gene: KIAA1549 (KIAA1549; minus strand). Cytogenetic location: 7q34.
Variant type: single nucleotide variant.
Coding change: c.2566C>G on transcript NM_001164665.2 (MANE Select); coding-DNA position 2566, C replaced by G.
Protein change: p.Pro856Ala; replaces proline 856 with alanine.
Molecular consequence: missense variant.
Genome position (GRCh38, 1-based): chr7:138,917,060, G>C on the plus strand (C>G on the coding strand, the complement: KIAA1549 is on the minus strand). VCF-style: chr7-138917060-G-C. GRCh37 (hg19) VCF-style: chr7-138601806-G-C.
Other names: c.2566C>G, p.Pro856Ala (NM_020910.3); short protein forms P856A.
Identifiers: ClinVar variation 1715764 (VCV001715764.5), dbSNP rs2485555844, ClinGen allele CA369392408.

ClinVar aggregate classification (germline): Uncertain significance (1 of 4 stars; one submission).

Submission:

Labcorp Genetics (formerly Invitae), Labcorp
Classification: Uncertain significance. Last evaluated: 2022-08-08. Review status: criteria provided, single submitter. Criteria: Invitae Variant Classification Sherloc (09022015). Collection method: clinical testing. Allele origin: germline.
Comment: In summary, the available evidence is currently insufficient to determine the role of this variant in disease. Therefore, it has been classified as a Variant of Uncertain Significance. Algorithms developed to predict the effect of sequence changes on RNA splicing suggest that this variant may disrupt the consensus splice site. Algorithms developed to predict the effect of missense changes on protein structure and function (SIFT, PolyPhen-2, Align-GVGD) all suggest that this variant is likely to be tolerated. This variant has not been reported in the literature in individuals affected with KIAA1549-related conditions. This variant is not present in population databases (gnomAD no frequency). This sequence change replaces proline, which is neutral and non-polar, with alanine, which is neutral and non-polar, at codon 856 of the KIAA1549 protein (p.Pro856Ala).